The following is an entry in ClinVar:

ClinVar aggregate classification (germline): Uncertain significance. Review status: criteria provided, multiple submitters, no conflicts (2 of 4 stars). 2 submissions from 2 submitters: Uncertain significance (2). Last evaluated 2025-08-01.

gnomAD v4.1: 1 of 1,208,687 alleles (0.000083%); highest among the groups gnomAD compares: Non-Finnish European, 0.00011%; no homozygotes.

Submissions (2):

CeGaT Center for Human Genetics Tuebingen
Classification: Uncertain significance. Last evaluated: 2025-08-01. Review status: criteria provided, single submitter. Criteria: CeGaT Center For Human Genetics Tuebingen Variant Classification Criteria Version 2. Collection method: clinical testing. Allele origin: germline. Affected: yes. Observed: 1 variant allele.
Comment: HCFC1: PM2

Blueprint Genetics
Classification: Uncertain significance. Last evaluated: 2024-02-05. Review status: criteria provided, single submitter. Criteria: ACMG Guidelines, 2015. Collection method: clinical testing. Allele origin: germline.

NM_005334.3(HCFC1):c.4280C>T (p.Thr1427Met)

Gene: HCFC1 (host cell factor C1; minus strand). Cytogenetic location: Xq28.
Variant type: single nucleotide variant.
Coding change: c.4280C>T on transcript NM_005334.3 (MANE Select); coding-DNA position 4280, C replaced by T.
Protein change: p.Thr1427Met; replaces threonine 1427 with methionine.
Molecular consequence: missense variant.
Genome position (GRCh38, 1-based): chrX:153,954,119, G>A on the plus strand (C>T on the coding strand, the complement: HCFC1 is on the minus strand). VCF-style: chrX-153954119-G-A. GRCh37 (hg19) VCF-style: chrX-153219570-G-A.
Other names: c.4280C>T, p.Thr1427Met (NM_001440849.1, NM_001410705.1, NM_001440843.1 and 5 more transcripts); c.4082C>T, p.Thr1361Met (NM_001440850.1, NM_001440851.1); short protein forms T1361M, T1427M.
Identifiers: ClinVar variation 4085847 (VCV004085847.9).